The following is an entry in ClinVar:

NM_004287.5(GOSR2):c.77A>G (p.Asp26Gly)

Genes: GOSR2 (golgi SNAP receptor complex member 2; plus strand), LRRC37A2 (leucine rich repeat containing 37 member A2). Cytogenetic location: 17q21.32.
Variant type: single nucleotide variant.
Coding change: c.77A>G on transcript NM_004287.5 (MANE Select); coding-DNA position 77, A replaced by G.
Protein change: p.Asp26Gly; replaces aspartic acid 26 with glycine.
Molecular consequence: missense variant. On other transcripts: non-coding transcript variant (3).
Genome position (GRCh38, 1-based): chr17:46,929,567, A>G. VCF-style: chr17-46929567-A-G. GRCh37 (hg19) VCF-style: chr17-45006933-A-G.
Other names: c.77A>G, p.Asp26Gly (NM_001012511.3, NM_001321133.2, NM_001330252.2 and 4 more transcripts); c.23A>G, p.Asp8Gly (NM_001321134.2, NM_001363851.2); short protein forms D26G, D8G.
Identifiers: ClinVar variation 405439 (VCV000405439.9), dbSNP rs773543394, ClinGen allele CA8621132.

ClinVar aggregate classification (germline): Uncertain significance (1 of 4 stars; one submission).

Conditions:
Progressive myoclonic epilepsy. Also called: Familial progressive myoclonic epilepsy; Progressive myoclonus epilepsy; Myoclonic Epilepsies, Progressive; Myoclonus epilepsy. Identifiers: Orphanet 308, Orphanet 98261, MedGen C0751778, MONDO:0020074.

Allele frequency attached by ClinVar (database versions not stated): gnomAD exomes below 0.00001 and 0.00001; gnomAD 0.00001; TOPMed 0.00001; ExAC 0.00002.
gnomAD v4.1: 4 of 1,539,108 alleles (0.00026%); highest among the groups gnomAD compares: East Asian, 0.009%; no homozygotes.

Submission:

Labcorp Genetics (formerly Invitae), Labcorp
Classification: Uncertain significance for Progressive myoclonic epilepsy. Last evaluated: 2016-10-13. Review status: criteria provided, single submitter. Criteria: Invitae Variant Classification Sherloc (09022015). Collection method: clinical testing. Allele origin: germline.
Comment: This sequence change replaces aspartic acid with glycine at codon 26 of the GOSR2 protein (p.Asp26Gly). The aspartic acid residue is moderately conserved and there is a moderate physicochemical difference between aspartic acid and glycine. This variant is present in population databases (rs773543394, ExAC 0.02%) but has not been reported in the literature in individuals with a GOSR2-related disease. Algorithms developed to predict the effect of missense changes on protein structure and function do not agree on the potential impact of this missense change (SIFT: "Tolerated"; PolyPhen-2: "Possibly Damaging"; Align-GVGD: "Class C0"). In summary, this variant is a rare missense change with uncertain impact on protein function. There is no indication that it causes disease, but the available evidence is currently insufficient to prove that conclusively. Therefore, it has been classified as a Variant of Uncertain Significance.